The following is an entry in ClinVar:

ClinVar aggregate classification (germline): Likely benign. Review status: reviewed by expert panel (3 of 4 stars). 6 submissions from 6 submitters: Likely benign (1). 5 of the submissions do not count toward it. Last evaluated 2023-04-14.

Conditions:
CDKL5 disorder. Identifiers: MedGen CN296942, MONDO:0100039.
Developmental and epileptic encephalopathy, 2 (DEE2). Also called: CDKL5 deficiency disorder; INFANTILE SPASM SYNDROME, X-LINKED 2. Identifiers: Orphanet 1934, Orphanet 3451, Orphanet 505652, MedGen C4750718, MONDO:0010396, OMIM 300672.
Angelman syndrome-like. Identifiers: MedGen CN128785.
CDKL5-related disorder.

Allele frequency attached by ClinVar (database versions not stated): ExAC 0.00001; gnomAD 0.00001; TOPMed 0.00001; gnomAD exomes 0.00001 and 0.00008.
gnomAD v4.1: 83 of 1,210,208 alleles (0.0069%); highest among the groups gnomAD compares: Non-Finnish European, 0.009%; no homozygotes.

Submissions (6):

ClinGen Rett and Angelman-like Disorders Variant Curation Expert Panel
Classification: Likely benign for CDKL5 disorder. Last evaluated: 2023-04-14. Review status: reviewed by expert panel. Criteria: ClinGen RettAS ACMG Specifications V2. Collection method: curation. Allele origin: germline. Inheritance: X-linked inheritance.
Comment: RS1 (NM_000330.4) and an alternative transcript of CDKL5 (NM_003159.2) are overlapping transcripts; however, these variants are in the non-coding 3' region of the main CDKL5 transcript (NM_ 001323289.2). The c.2739 G>C (p.Gln913His) variant in CDKL5 transcript (NM_003159.3) (RS1 c.326+1159 C>G) is observed in at least 2 unaffected individuals (GeneDx and Invitae internal databases) (BS2). Computational analysis prediction tools suggest that the c.2739 G>C variant does not have a deleterious impact; however this information does not predict clinical significance on its own (BP4). In summary, the c.2739 G>C variant in the alternate CDKL5 transcript (NM_003159.3) is classified as likely benign based on the ACMG/AMP criteria (BS2, BP4).

Women's Health and Genetics/Laboratory Corporation of America, LabCorp
Classification: Likely benign. Last evaluated: 2026-01-29. Review status: criteria provided, single submitter. Criteria: LabCorp Variant Classification Summary - May 2015. Collection method: clinical testing. Allele origin: germline. Not counted in ClinVar's aggregate classification.
Comment: Variant summary: CDKL5 c.2739G>C (p.Gln913His) results in a non-conservative amino acid change in the encoded protein sequence. Algorithms developed to predict the effect of missense changes on protein structure and function are either unavailable or do not agree on the potential impact of this missense change. The variant allele was found at a frequency of 6.9e-05 in 1210208 control chromosomes, including 27 hemizygotes. This frequency is not significantly higher than estimated for disease-causing variants in CDKL5, however, the presence of several hemizygous controls in gnomAD is not consistent with early onset/severe nature of CDKL5-related conditions. To our knowledge, no occurrence of c.2739G>C in individuals affected with CDKL5-related conditions and no experimental evidence demonstrating its impact on protein function have been reported. ClinVar contains an entry for this variant (Variation ID: 156693). Based on the evidence outlined above, the variant was classified as likely benign.

Labcorp Genetics (formerly Invitae), Labcorp
Classification: Likely benign for Developmental and epileptic encephalopathy, 2; Angelman syndrome-like. Last evaluated: 2025-05-01. Review status: criteria provided, single submitter. Criteria: Invitae Variant Classification Sherloc (09022015). Collection method: clinical testing. Allele origin: germline. Not counted in ClinVar's aggregate classification.

Fulgent Genetics
Classification: Uncertain significance for Developmental and epileptic encephalopathy, 2. Last evaluated: 2018-10-31. Review status: criteria provided, single submitter. Criteria: ACMG Guidelines, 2015. Collection method: clinical testing. Allele origin: unknown. Not counted in ClinVar's aggregate classification.

GeneDx
Classification: Likely benign. Last evaluated: 2018-04-02. Review status: criteria provided, single submitter. Criteria: GeneDx Variant Classification Process June 2021. Collection method: clinical testing. Allele origin: germline. Affected: yes. Not counted in ClinVar's aggregate classification.

PreventionGenetics, part of Exact Sciences
Classification: Likely benign for CDKL5-related condition. Last evaluated: 2023-09-25. Review status: no assertion criteria provided. Collection method: clinical testing. Allele origin: germline. Not counted in ClinVar's aggregate classification.
Comment: This variant is classified as likely benign based on ACMG/AMP sequence variant interpretation guidelines (Richards et al. 2015 PMID: 25741868, with internal and published modifications).

NM_003159.3(CDKL5):c.2739G>C (p.Gln913His)

Genes: CDKL5 (cyclin dependent kinase like 5; plus strand), RS1 (retinoschisin 1; minus strand). Cytogenetic location: Xp22.13.
Variant type: single nucleotide variant.
Coding change: c.2739G>C on transcript NM_003159.3; coding-DNA position 2739, G replaced by C.
Protein change: p.Gln913His; replaces glutamine 913 with histidine.
Molecular consequence: missense variant. On other transcripts: intron variant (1).
Genome position (GRCh38, 1-based): chrX:18,646,032, G>C. VCF-style: chrX-18646032-G-C. GRCh37 (hg19) VCF-style: chrX-18664152-G-C.
Other names: p.Q913H:CAG>CAC; c.2739G>C, p.Gln913His (NM_001037343.2); c.326+1159C>G (NM_000330.4); short protein forms Q913H.
Identifiers: ClinVar variation 156693 (VCV000156693.19), dbSNP rs587783160, ClinGen allele CA294768.
Genomic context (GRCh38, chrX:18,646,032, plus strand): 5'-ACTCTGCTGCTCTTTTGTTTCTCCCCACTAACTAGACGGTGGATGTGATGGCAGAAGACA[G>C]AGACACCATTCTGGACCCCAAGATAGACGCTTCATGTTAAGGACGACAGAACAACAAGGT-3'